The following is an entry in ClinVar:

NM_002968.3(SALL1):c.3631G>T (p.Val1211Phe)

Gene: SALL1 (spalt like transcription factor 1; minus strand). Cytogenetic location: 16q12.1.
Variant type: single nucleotide variant.
Coding change: c.3631G>T on transcript NM_002968.3 (MANE Select); coding-DNA position 3631, G replaced by T.
Protein change: p.Val1211Phe; replaces valine 1211 with phenylalanine.
Molecular consequence: missense variant.
Genome position (GRCh38, 1-based): chr16:51,137,456, C>A on the plus strand (G>T on the coding strand, the complement: SALL1 is on the minus strand). VCF-style: chr16-51137456-C-A. GRCh37 (hg19) VCF-style: chr16-51171367-C-A.
Other names: c.3340G>T, p.Val1114Phe (NM_001127892.2); short protein forms V1114F, V1211F.
Identifiers: ClinVar variation 1309305 (VCV001309305.5), dbSNP rs377652797, ClinGen allele CA395878295.

ClinVar aggregate classification (germline): Uncertain significance. Review status: criteria provided, multiple submitters, no conflicts (2 of 4 stars). 3 submissions from 3 submitters: Uncertain significance (3). Last evaluated 2024-12-11.

Conditions:
Townes syndrome (TBS). Also called: Townes-Brocks syndrome. Identifiers: Orphanet 857, MedGen C0265246, MeSH C536974, MONDO:0007142.
Townes-Brocks syndrome 1 (TBS1). Also called: DEAFNESS, SENSORINEURAL, WITH IMPERFORATE ANUS AND THUMB ANOMALIES; REAR SYNDROME; RENAL-EAR-ANAL-RADIAL SYNDROME; SALL1-Related Townes-Brocks Syndrome. Identifiers: Orphanet 857, MedGen C4551481, MONDO:0054581, OMIM 107480.

Submissions (3):

Labcorp Genetics (formerly Invitae), Labcorp
Classification: Uncertain significance for Townes syndrome. Last evaluated: 2024-12-11. Review status: criteria provided, single submitter. Criteria: Invitae Variant Classification Sherloc (09022015). Collection method: clinical testing. Allele origin: germline.
Comment: This sequence change replaces valine, which is neutral and non-polar, with phenylalanine, which is neutral and non-polar, at codon 1211 of the SALL1 protein (p.Val1211Phe). This variant is not present in population databases (gnomAD no frequency). This variant has not been reported in the literature in individuals affected with SALL1-related conditions. ClinVar contains an entry for this variant (Variation ID: 1309305). An algorithm developed to predict the effect of missense changes on protein structure and function (PolyPhen-2) suggests that this variant is likely to be disruptive. In summary, the available evidence is currently insufficient to determine the role of this variant in disease. Therefore, it has been classified as a Variant of Uncertain Significance.

Fulgent Genetics
Classification: Uncertain significance for Townes-Brocks syndrome 1. Last evaluated: 2021-11-17. Review status: criteria provided, single submitter. Criteria: ACMG Guidelines, 2015. Collection method: clinical testing. Allele origin: unknown.

GeneDx
Classification: Uncertain significance. Last evaluated: 2019-10-15. Review status: criteria provided, single submitter. Criteria: GeneDx Variant Classification Process June 2021. Collection method: clinical testing. Allele origin: germline. Affected: yes.
Comment: Not observed in large population cohorts (Lek et al., 2016); In silico analysis, which includes protein predictors and evolutionary conservation, supports that this variant does not alter protein structure/function; Has not been previously published as pathogenic or benign to our knowledge